The following is an entry in ClinVar:

NM_012186.3(FOXE3):c.105C>T (p.Ala35=)

Genes: LINC01389 (long independently transcribed non-coding RNA 1389; minus strand), FOXE3 (forkhead box E3; plus strand). Cytogenetic location: 1p33.
Variant type: single nucleotide variant.
Coding change: c.105C>T on transcript NM_012186.3 (MANE Select); coding-DNA position 105, C replaced by T.
Protein change: p.Ala35=; no amino-acid change (alanine 35 retained).
Molecular consequence: synonymous variant.
Genome position (GRCh38, 1-based): chr1:47,416,420, C>T. VCF-style: chr1-47416420-C-T. GRCh37 (hg19) VCF-style: chr1-47882092-C-T.
Other names: c.105C>T (NM_012186.2).
Identifiers: ClinVar variation 1106337 (VCV001106337.11), dbSNP rs1646882637, ClinGen allele CA417891955.

ClinVar aggregate classification (germline): Likely benign. Review status: criteria provided, multiple submitters, no conflicts (2 of 4 stars). 3 submissions from 3 submitters: Likely benign (3). Last evaluated 2025-01-28.

Conditions:
Anterior segment dysgenesis. Also called: Ocular anterior segment dysgenesis. Identifiers: Orphanet 88632, MedGen C1862839, MONDO:0019503, HP:0007700.
Congenital primary aphakia. Also called: ANTERIOR SEGMENT DYSGENESIS 2; Anterior segment dysgenesis 2, multiple subtypes. Identifiers: Orphanet 83461, MedGen C1853230, MONDO:0012456, OMIM 610256.
FOXE3-related disorder. Also called: FOXE3-related condition.
Cardiovascular phenotype. Identifiers: MedGen CN230736.

Allele frequency attached by ClinVar (database versions not stated): TOPMed below 0.00001.

Submissions (3):

Ambry Genetics
Classification: Likely benign for Cardiovascular phenotype. Last evaluated: 2025-01-28. Review status: criteria provided, single submitter. Criteria: Ambry Variant Classification Scheme 2023. Collection method: clinical testing. Allele origin: germline.

PreventionGenetics, part of Exact Sciences
Classification: Likely benign for FOXE3-related condition. Last evaluated: 2024-10-18. Review status: criteria provided, single submitter. Criteria: ACMG Guidelines, 2015. Collection method: clinical testing. Allele origin: germline.
Comment: This variant is classified as likely benign based on ACMG/AMP sequence variant interpretation guidelines (Richards et al. 2015 PMID: 25741868, with internal and published modifications).

Labcorp Genetics (formerly Invitae), Labcorp
Classification: Likely benign for Anterior segment dysgenesis; Congenital primary aphakia. Last evaluated: 2020-02-05. Review status: criteria provided, single submitter. Criteria: Invitae Variant Classification Sherloc (09022015). Collection method: clinical testing. Allele origin: germline.